The following is an entry in ClinVar:

NM_000214.3(JAG1):c.379G>A (p.Ala127Thr)

Gene: JAG1 (jagged canonical Notch ligand 1; minus strand). Cytogenetic location: 20p12.2.
Variant type: single nucleotide variant.
Coding change: c.379G>A on transcript NM_000214.3 (MANE Select); coding-DNA position 379, G replaced by A.
Protein change: p.Ala127Thr; replaces alanine 127 with threonine.
Molecular consequence: missense variant.
Genome position (GRCh38, 1-based): chr20:10,672,709, C>T on the plus strand (G>A on the coding strand, the complement: JAG1 is on the minus strand). VCF-style: chr20-10672709-C-T. GRCh37 (hg19) VCF-style: chr20-10653357-C-T.
Other names: short protein forms A127T.
Identifiers: ClinVar variation 847181 (VCV000847181.9), dbSNP rs930247415, ClinGen allele CA311357295.

ClinVar aggregate classification (germline): Uncertain significance (1 of 4 stars; one submission).

Conditions:
Alagille syndrome due to a JAG1 point mutation. Also called: JAG1-Related Alagille Syndrome; HEPATIC DUCTULAR HYPOPLASIA, SYNDROMATIC; Alagille Syndrome 1. Identifiers: Orphanet 261619, Orphanet 52, MedGen C1956125, MONDO:0016862, OMIM 118450.

Submission:

Labcorp Genetics (formerly Invitae), Labcorp
Classification: Uncertain significance for Alagille syndrome due to a JAG1 point mutation. Last evaluated: 2022-08-31. Review status: criteria provided, single submitter. Criteria: Invitae Variant Classification Sherloc (09022015). Collection method: clinical testing. Allele origin: germline.
Comment: This variant is not present in population databases (gnomAD no frequency). This sequence change replaces alanine, which is neutral and non-polar, with threonine, which is neutral and polar, at codon 127 of the JAG1 protein (p.Ala127Thr). This missense change has been observed in individual(s) with Alagille syndrome (PMID: 10220506). In summary, the available evidence is currently insufficient to determine the role of this variant in disease. Therefore, it has been classified as a Variant of Uncertain Significance. Advanced modeling of protein sequence and biophysical properties (such as structural, functional, and spatial information, amino acid conservation, physicochemical variation, residue mobility, and thermodynamic stability) performed at Invitae indicates that this missense variant is not expected to disrupt JAG1 protein function. ClinVar contains an entry for this variant (Variation ID: 847181). This variant is also known as 792G>A.

Literature cited by the submitters: PubMed 10220506.